The following is an entry in ClinVar:

NM_000535.7(PMS2):c.122A>G (p.Glu41Gly)

Gene: PMS2 (PMS1 homolog 2, mismatch repair system component; minus strand). Cytogenetic location: 7p22.1.
Variant type: single nucleotide variant.
Coding change: c.122A>G on transcript NM_000535.7 (MANE Select); coding-DNA position 122, A replaced by G.
Protein change: p.Glu41Gly; replaces glutamic acid 41 with glycine.
Molecular consequence: missense variant. On other transcripts: 5 prime UTR variant (8), non-coding transcript variant (1), intron variant (3).
Genome position (GRCh38, 1-based): chr7:6,005,933, T>C on the plus strand (A>G on the coding strand, the complement: PMS2 is on the minus strand). VCF-style: chr7-6005933-T-C. GRCh37 (hg19) VCF-style: chr7-6045564-T-C.
Other names: c.-284A>G (NM_001322003.2, NM_001322005.2, NM_001322009.2 and 1 more transcripts); c.122A>G, p.Glu41Gly (NM_001322006.2, NM_001322014.2); c.-94A>G (NM_001322007.2); c.-763A>G (NM_001322011.2, NM_001322012.2); c.-363A>G (NM_001322015.2); c.-52-1875A>G (NM_001322008.2); c.-242-1875A>G (NM_001322010.2, NM_001322004.2); short protein forms E41G.
Identifiers: ClinVar variation 619589 (VCV000619589.3), dbSNP rs1562701448, ClinGen allele CA366745023.

ClinVar aggregate classification (germline): Uncertain significance (1 of 4 stars; one submission).

Conditions:
Lynch syndrome. Identifiers: Orphanet 144, MedGen C4552100, MONDO:0005835. Disease mechanism: loss of function.

Submission:

University of Washington Department of Laboratory Medicine, University of Washington
Classification: Uncertain significance for Lynch syndrome. Last evaluated: 2018-05-01. Review status: criteria provided, single submitter. Criteria: Shirts BH et al. (Am J Hum Genet 2018). Collection method: clinical testing. Allele origin: somatic. Affected: yes.
Comment: PMS2 NM_000535.5:c.122A>G has a 60.9% probability of pathogenicity based on combining prior probability from public data with a likelihood ratio of 1.56 to 1, generated from evidence of seeing this as a somatic mutation in a tumor without loss of heterozygosity at the PMS2 locus. See Shirts et al 2018, PMID 29887214.